The following is an entry in ClinVar:

ClinVar aggregate classification (germline): Pathogenic (1 of 4 stars; one submission).

Submission:

Labcorp Genetics (formerly Invitae), Labcorp
Classification: Pathogenic. Last evaluated: 2025-10-31. Review status: criteria provided, single submitter. Criteria: Invitae Variant Classification Sherloc (09022015). Collection method: clinical testing. Allele origin: germline.
Comment: This sequence change creates a premature translational stop signal (p.Cys4503*) in the KMT2C gene. It is expected to result in an absent or disrupted protein product. Loss-of-function variants in KMT2C are known to be pathogenic (PMID: 29069077). This variant is not present in population databases (gnomAD no frequency). This variant has not been reported in the literature in individuals affected with KMT2C-related conditions. For these reasons, this variant has been classified as Pathogenic.

Literature cited by the submitters: PubMed 29069077.

NM_170606.3(KMT2C):c.13509C>A (p.Cys4503Ter)

Gene: KMT2C (lysine methyltransferase 2C; minus strand). Cytogenetic location: 7q36.1.
Variant type: single nucleotide variant.
Coding change: c.13509C>A on transcript NM_170606.3 (MANE Select); coding-DNA position 13509, C replaced by A.
Protein change: p.Cys4503Ter; replaces cysteine 4503 with a stop codon.
Molecular consequence: nonsense.
Genome position (GRCh38, 1-based): chr7:152,148,418, G>T on the plus strand (C>A on the coding strand, the complement: KMT2C is on the minus strand). VCF-style: chr7-152148418-G-T. GRCh37 (hg19) VCF-style: chr7-151845503-G-T.
Other names: short protein forms C4503*.
Identifiers: ClinVar variation 4730261 (VCV004730261.1).